The following is an entry in ClinVar:

NM_001385012.1(NBEA):c.6554A>G (p.Asp2185Gly)

Gene: NBEA (neurobeachin; plus strand). Cytogenetic location: 13q13.3.
Variant type: single nucleotide variant.
Coding change: c.6554A>G on transcript NM_001385012.1 (MANE Select); coding-DNA position 6554, A replaced by G.
Protein change: p.Asp2185Gly; replaces aspartic acid 2185 with glycine.
Molecular consequence: missense variant.
Genome position (GRCh38, 1-based): chr13:35,472,505, A>G. VCF-style: chr13-35472505-A-G. GRCh37 (hg19) VCF-style: chr13-36046642-A-G.
Other names: c.6545A>G, p.Asp2182Gly (NM_001379245.1); c.6554A>G, p.Asp2185Gly (NM_015678.5); short protein forms D2182G, D2185G.
Identifiers: ClinVar variation 2431383 (VCV002431383.1), dbSNP rs2549588320, ClinGen allele CA387983745.
Genomic context (GRCh38, chr13:35,472,505, plus strand): 5'-TGGTGGCCAAGGGGACTCTCTCCATCACCACGACAGAAATCTACTTCGAGGTAGATGAGG[A>G]TGATTCTGCCTTCAAGAAGATCGACACGAAAGTGAGTTAAAGCGATTCCATGTACAGTAT-3'
Protein context (NP_001371941.1, residues 2175-2195): TTEIYFEVDE[Asp2185Gly]DSAFKKIDTK

ClinVar aggregate classification (germline): Uncertain significance (1 of 4 stars; one submission).

Conditions:
Neurodevelopmental disorder with or without early-onset generalized epilepsy. Identifiers: MedGen C5436914, MONDO:0030930, OMIM 619157.

Allele frequency attached by ClinVar (database versions not stated): gnomAD exomes below 0.00001.
gnomAD v4.1: 1 of 1,613,992 alleles (0.000062%); highest among the groups gnomAD compares: Non-Finnish European, 0.000085%; no homozygotes.

Submission:

Laboratorio de Genetica e Diagnostico Molecular, Hospital Israelita Albert Einstein
Classification: Uncertain significance for Neurodevelopmental disorder with or without early-onset generalized epilepsy. Last evaluated: 2023-02-03. Review status: criteria provided, single submitter. Criteria: ACMG Guidelines, 2015. Collection method: clinical testing. Allele origin: germline. Affected: yes. Observed: 1 variant allele.
Comment: ACMG classification criteria: PM2 moderated, PP2 supporting, BP4 supporting